The following is an entry in ClinVar:

NM_003839.4(TNFRSF11A):c.1727C>T (p.Ala576Val)

Gene: TNFRSF11A (TNF receptor superfamily member 11a; plus strand). Cytogenetic location: 18q21.33.
Variant type: single nucleotide variant.
Coding change: c.1727C>T on transcript NM_003839.4 (MANE Select); coding-DNA position 1727, C replaced by T.
Protein change: p.Ala576Val; replaces alanine 576 with valine.
Molecular consequence: missense variant. On other transcripts: 3 prime UTR variant (1).
Genome position (GRCh38, 1-based): chr18:62,384,910, C>T. VCF-style: chr18-62384910-C-T. GRCh37 (hg19) VCF-style: chr18-60052143-C-T.
Other names: c.*151C>T (NM_001270949.2); c.890C>T, p.Ala297Val (NM_001270950.2); c.776C>T, p.Ala259Val (NM_001270951.2); c.1685C>T, p.Ala562Val (NM_001278268.2); short protein forms A576V, A259V, A562V, A297V.
Identifiers: ClinVar variation 4772539 (VCV004772539.1).

ClinVar aggregate classification (germline): Uncertain significance (1 of 4 stars; one submission).

gnomAD v4.1: 1 of 1,567,942 alleles (0.000064%); highest among the groups gnomAD compares: Non-Finnish European, 0.000086%; no homozygotes.

Submission:

Labcorp Genetics (formerly Invitae), Labcorp
Classification: Uncertain significance. Last evaluated: 2025-07-28. Review status: criteria provided, single submitter. Criteria: Invitae Variant Classification Sherloc (09022015). Collection method: clinical testing. Allele origin: germline.
Comment: This sequence change replaces alanine, which is neutral and non-polar, with valine, which is neutral and non-polar, at codon 576 of the TNFRSF11A protein (p.Ala576Val). This variant is not present in population databases (gnomAD no frequency). This variant has not been reported in the literature in individuals affected with TNFRSF11A-related conditions. An algorithm developed to predict the effect of missense changes on protein structure and function (PolyPhen-2) suggests that this variant is likely to be tolerated. In summary, the available evidence is currently insufficient to determine the role of this variant in disease. Therefore, it has been classified as a Variant of Uncertain Significance.